The following is an entry in ClinVar:

ClinVar aggregate classification (germline): Likely benign (0 of 4 stars; one submission).

Conditions:
SCRIB-related disorder. Also called: SCRIB-related condition.

Allele frequency attached by ClinVar (database versions not stated): gnomAD 0.00001; TOPMed 0.00001.
gnomAD v4.1: 5 of 1,511,914 alleles (0.00033%); highest among the groups gnomAD compares: African/African-American, 0.0056%; no homozygotes.

Submission:

PreventionGenetics, part of Exact Sciences
Classification: Likely benign for SCRIB-related condition. Last evaluated: 2019-08-01. Review status: no assertion criteria provided. Collection method: clinical testing. Allele origin: germline.
Comment: This variant is classified as likely benign based on ACMG/AMP sequence variant interpretation guidelines (Richards et al. 2015 PMID: 25741868, with internal and published modifications).

NM_182706.5(SCRIB):c.4018-6C>T

Gene: SCRIB (scribble planar cell polarity protein; minus strand). Cytogenetic location: 8q24.3.
Variant type: single nucleotide variant.
Coding change: c.4018-6C>T on transcript NM_182706.5 (MANE Select); 6 bases into the intron before coding-DNA position 4018, C replaced by T.
Molecular consequence: intron variant.
Genome position (GRCh38, 1-based): chr8:143,792,873, G>A on the plus strand (C>T on the coding strand, the complement: SCRIB is on the minus strand). VCF-style: chr8-143792873-G-A. GRCh37 (hg19) VCF-style: chr8-144875043-G-A.
Other names: c.4018-6C>T (NM_015356.5).
Identifiers: ClinVar variation 3034957 (VCV003034957.2), dbSNP rs1218719925, ClinGen allele CA848803911.